The following is an entry in ClinVar:

NM_000135.4(FANCA):c.2684C>G (p.Pro895Arg)

Genes: FANCA (FA complementation group A; minus strand), LOC130059837 (ATAC-STARR-seq lymphoblastoid active region 11420; plus strand). Cytogenetic location: 16q24.3.
Variant type: single nucleotide variant.
Coding change: c.2684C>G on transcript NM_000135.4 (MANE Select); coding-DNA position 2684, C replaced by G.
Protein change: p.Pro895Arg; replaces proline 895 with arginine.
Molecular consequence: missense variant.
Genome position (GRCh38, 1-based): chr16:89,764,984, G>C on the plus strand (C>G on the coding strand, the complement: FANCA is on the minus strand). VCF-style: chr16-89764984-G-C. GRCh37 (hg19) VCF-style: chr16-89831392-G-C.
Other names: c.2684C>G, p.Pro895Arg (NM_001286167.3); short protein forms P895R.
Identifiers: ClinVar variation 5036333 (VCV005036333.1).

ClinVar aggregate classification (germline): Uncertain significance (1 of 4 stars; one submission).

Conditions:
Inborn genetic diseases. Identifiers: MedGen C0950123, MeSH D030342.

Submission:

Ambry Genetics
Classification: Uncertain significance for Inborn genetic diseases. Last evaluated: 2026-07-01. Review status: criteria provided, single submitter. Criteria: Ambry Variant Classification Scheme 2023. Collection method: clinical testing. Allele origin: germline.
Comment: The p.P895R variant (also known as c.2684C>G), located in coding exon 28 of the FANCA gene, results from a C to G substitution at nucleotide position 2684. The proline at codon 895 is replaced by arginine, an amino acid with dissimilar properties. This amino acid position is conserved. In addition, this alteration is predicted to be tolerated by in silico analysis. Based on the available evidence, the clinical significance of this variant remains unclear.